The following is an entry in ClinVar:

ClinVar aggregate classification (germline): Uncertain significance (1 of 4 stars; one submission).

Submission:

GeneDx
Classification: Uncertain significance. Last evaluated: 2024-11-08. Review status: criteria provided, single submitter. Criteria: GeneDx Variant Classification Process June 2021. Collection method: clinical testing. Allele origin: germline. Affected: yes.
Comment: Not observed at significant frequency in large population cohorts (gnomAD); In silico analysis supports that this missense variant has a deleterious effect on protein structure/function; Has not been previously published as pathogenic or benign to our knowledge

NM_133433.4(NIPBL):c.6698T>C (p.Val2233Ala)

Gene: NIPBL (NIPBL cohesin loading factor; plus strand). Cytogenetic location: 5p13.2.
Variant type: single nucleotide variant.
Coding change: c.6698T>C on transcript NM_133433.4 (MANE Select); coding-DNA position 6698, T replaced by C.
Protein change: p.Val2233Ala; replaces valine 2233 with alanine.
Molecular consequence: missense variant.
Genome position (GRCh38, 1-based): chr5:37,048,610, T>C. VCF-style: chr5-37048610-T-C. GRCh37 (hg19) VCF-style: chr5-37048712-T-C.
Other names: c.6698T>C, p.Val2233Ala (NM_015384.5); short protein forms V2233A.
Identifiers: ClinVar variation 3899589 (VCV003899589.1).
Genomic context (GRCh38, chr5:37,048,610, plus strand): 5'-AGAATCTATATAATAATATTTTATCTGATAAGAACTCCTCAGTCAATTTAAAAATACAAG[T>C]GTTAAAAAACCTCCAGACCTACCTACAAGAAGAAGATACACGTATGCAGCAGGCAGATAG-3'
Protein context (NP_597677.2, residues 2223-2243): KNSSVNLKIQ[Val2233Ala]LKNLQTYLQE